The following is an entry in ClinVar:

NM_018062.4(FANCL):c.1049dup (p.Ser351fs)

Gene: FANCL (FA complementation group L; minus strand). Cytogenetic location: 2p16.1.
Variant type: Duplication.
Coding change: c.1049dup on transcript NM_018062.4 (MANE Select); coding-DNA position 1049, one base duplicated (A; older notation c.1049dupA).
Protein change: p.Ser351fs; shifts the reading frame from serine 351.
Molecular consequence: frameshift variant.
Genome position (GRCh38, 1-based): chr2:58,160,151, T duplicated on the plus strand (A on the coding strand, the reverse complement: FANCL is on the minus strand). VCF-style (leftmost placement, unchanged base first): chr2-58160150-C-CT. GRCh37 (hg19) VCF-style: chr2-58387285-C-CT.
Other names: c.1064dup, p.Ser356Glufs (NM_001114636.2); c.1094dup, p.Ser366fs (NM_001374615.1); c.1109dup, p.Ser371fs (NM_001410792.1); short protein forms S356fs, S351fs, S366fs, S371fs.
Identifiers: ClinVar variation 2109924 (VCV002109924.4), dbSNP rs2466548552, ClinGen allele CA2580067506.
Genomic context (GRCh38, chr2:58,160,150, plus strand): 5'-GATTAACAATTTGCTTACCTTACTACAATATGGACATTCACCAAATATGATGTTAAAACT[C>CT]TGTCTACTAGTTAGTAGTCCTCTCAGCCACTGCAAATTTTAAAAGATAAAGGAGAAGCGT-3'

ClinVar aggregate classification (germline): Likely pathogenic (1 of 4 stars; one submission).

Conditions:
Fanconi anemia (FA). Also called: Fanconi's anemia. Identifiers: Orphanet 84, MedGen C0015625, MeSH D005199, MONDO:0019391.

Submission:

Labcorp Genetics (formerly Invitae), Labcorp
Classification: Likely pathogenic for Fanconi anemia. Last evaluated: 2022-03-12. Review status: criteria provided, single submitter. Criteria: Invitae Variant Classification Sherloc (09022015). Collection method: clinical testing. Allele origin: germline.
Comment: In summary, the currently available evidence indicates that the variant is pathogenic, but additional data are needed to prove that conclusively. Therefore, this variant has been classified as Likely Pathogenic. This variant disrupts the PHD/RING finger domain of the FANCL protein, which is necessary for FANCL interaction with Ube2t and Ube2w, and subsequent monoubiquitination of FANCD2 (PMID: 12973351, 17938197, 19111657, 24389026, 26149689). While functional studies have not been performed to directly test the effect of this variant on FANCL protein function, this suggests that disruption of this region of the protein is causative of disease. This variant has not been reported in the literature in individuals affected with FANCL-related conditions. This variant is not present in population databases (gnomAD no frequency). This sequence change creates a premature translational stop signal (p.Ser351Glufs*3) in the FANCL gene. While this is not anticipated to result in nonsense mediated decay, it is expected to disrupt the last 25 amino acid(s) of the FANCL protein.

Literature cited by the submitters: PubMed 12973351; PubMed 17938197; PubMed 19111657; PubMed 24389026; PubMed 26149689.